The following is an entry in ClinVar:

ClinVar aggregate classification (germline): Uncertain significance. Review status: criteria provided, multiple submitters, no conflicts (2 of 4 stars). 3 submissions from 3 submitters: Uncertain significance (3). Last evaluated 2024-08-07.

Conditions:
Inborn genetic diseases. Identifiers: MedGen C0950123, MeSH D030342.

Allele frequency attached by ClinVar (database versions not stated): ExAC 0.00001; gnomAD 0.00005; TOPMed 0.00005.

Submissions (3):

GeneDx
Classification: Uncertain significance. Last evaluated: 2024-08-07. Review status: criteria provided, single submitter. Criteria: GeneDx Variant Classification Process June 2021. Collection method: clinical testing. Allele origin: germline. Affected: yes.
Comment: In silico analysis indicates that this missense variant does not alter protein structure/function; Has not been previously published as pathogenic or benign to our knowledge

Ambry Genetics
Classification: Uncertain significance for Inborn genetic diseases. Last evaluated: 2023-02-06. Review status: criteria provided, single submitter. Criteria: Ambry Variant Classification Scheme 2023. Collection method: clinical testing. Allele origin: germline.

Labcorp Genetics (formerly Invitae), Labcorp
Classification: Uncertain significance. Last evaluated: 2022-07-05. Review status: criteria provided, single submitter. Criteria: Invitae Variant Classification Sherloc (09022015). Collection method: clinical testing. Allele origin: germline.
Comment: This sequence change replaces leucine, which is neutral and non-polar, with arginine, which is basic and polar, at codon 557 of the DONSON protein (p.Leu557Arg). The frequency data for this variant in the population databases is considered unreliable, as metrics indicate poor data quality at this position in the gnomAD database. This variant has not been reported in the literature in individuals affected with DONSON-related conditions. Algorithms developed to predict the effect of missense changes on protein structure and function are either unavailable or do not agree on the potential impact of this missense change (SIFT: "Deleterious"; PolyPhen-2: "Benign"; Align-GVGD: "Class C0"). In summary, the available evidence is currently insufficient to determine the role of this variant in disease. Therefore, it has been classified as a Variant of Uncertain Significance.

NM_017613.4(DONSON):c.1670T>G (p.Leu557Arg)

Gene: DONSON (DNA replication fork stabilization factor DONSON; minus strand). Cytogenetic location: 21q22.11.
Variant type: single nucleotide variant.
Coding change: c.1670T>G on transcript NM_017613.4 (MANE Select); coding-DNA position 1670, T replaced by G.
Protein change: p.Leu557Arg; replaces leucine 557 with arginine.
Molecular consequence: missense variant.
Genome position (GRCh38, 1-based): chr21:33,578,338, A>C on the plus strand (T>G on the coding strand, the complement: DONSON is on the minus strand). VCF-style: chr21-33578338-A-C. GRCh37 (hg19) VCF-style: chr21-34950644-A-C.
Other names: c.1670T>G (NM_017613.2, NM_017613.3); short protein forms L557R.
Identifiers: ClinVar variation 2057979 (VCV002057979.4), dbSNP rs749937330, ClinGen allele CA10010243.